The following is an entry in ClinVar:

ClinVar aggregate classification (germline): Conflicting classifications of pathogenicity. Review status: criteria provided, conflicting classifications (1 of 4 stars). 8 submissions from 8 submitters: Pathogenic (1); Uncertain significance (4); Likely benign (2). 1 of the submissions does not count toward it. Last evaluated 2025-08-20.

Conditions:
RS1-related disorder. Also called: RS1-related condition.
Retinal dystrophy. Also called: Inherited retinal dystrophy. Identifiers: Orphanet 71862, MedGen C0854723, MeSH D058499, MONDO:0019118, HP:0000556.
Juvenile retinoschisis (RS1). Also called: X-Linked Juvenile Retinoschisis; X-linked retinoschisis. Identifiers: Orphanet 792, MedGen C3714753, MONDO:0010725, OMIM 312700.

Allele frequency attached by ClinVar (database versions not stated): ExAC 0.00002; gnomAD exomes 0.00004; 1000 Genomes Project 30x 0.00021; 1000 Genomes Project 0.00026; TOPMed 0.00012.
gnomAD v4.1: 68 of 1,209,288 alleles (0.0056%); highest among the groups gnomAD compares: Non-Finnish European, 0.007%; no homozygotes.

Submissions (8):

Mendelics
Classification: Uncertain significance for Juvenile retinoschisis. Last evaluated: 2025-08-20. Review status: criteria provided, single submitter. Criteria: Mendelics Assertion Criteria 2019. Collection method: clinical testing. Allele origin: germline.
Comment: The variant NM_000330.4(RS1):c.522+5G>A has GnomAD frequency of 0.00005623 with 68 alelles and 24 hemizygotes. In-silico predictors resulted a likely benign impact.

PreventionGenetics, part of Exact Sciences
Classification: Likely benign for RS1-related condition. Last evaluated: 2025-01-16. Review status: criteria provided, single submitter. Criteria: ACMG Guidelines, 2015. Collection method: clinical testing. Allele origin: germline.
Comment: This variant is classified as likely benign based on ACMG/AMP sequence variant interpretation guidelines (Richards et al. 2015 PMID: 25741868, with internal and published modifications).

Labcorp Genetics (formerly Invitae), Labcorp
Classification: Uncertain significance. Last evaluated: 2024-06-03. Review status: criteria provided, single submitter. Criteria: Invitae Variant Classification Sherloc (09022015). Collection method: clinical testing. Allele origin: germline.
Comment: This sequence change falls in intron 5 of the RS1 gene. It does not directly change the encoded amino acid sequence of the RS1 protein. It affects a nucleotide within the consensus splice site. This variant is present in population databases (rs200074383, gnomAD 0.009%). This variant has been observed in individual(s) with retinoschisis (PMID: 10533068). ClinVar contains an entry for this variant (Variation ID: 98981). Variants that disrupt the consensus splice site are a relatively common cause of aberrant splicing (PMID: 17576681, 9536098). Algorithms developed to predict the effect of sequence changes on RNA splicing suggest that this variant is not likely to affect RNA splicing. In summary, the available evidence is currently insufficient to determine the role of this variant in disease. Therefore, it has been classified as a Variant of Uncertain Significance.

Laboratory of Medical Genetics, National & Kapodistrian University of Athens
Classification: Pathogenic for Juvenile retinoschisis. Last evaluated: 2024-02-01. Review status: criteria provided, single submitter. Criteria: ACMG Guidelines, 2015. Collection method: curation. Allele origin: germline. Affected: no.

Blueprint Genetics
Classification: Likely benign. Last evaluated: 2023-09-26. Review status: criteria provided, single submitter. Criteria: ACMG Guidelines, 2015. Collection method: clinical testing. Allele origin: germline.

Women's Health and Genetics/Laboratory Corporation of America, LabCorp
Classification: Uncertain significance. Last evaluated: 2023-05-24. Review status: criteria provided, single submitter. Criteria: LabCorp Variant Classification Summary - May 2015. Collection method: clinical testing. Allele origin: germline.
Comment: Variant summary: RS1 c.522+5G>A, located in the last intron, alters a conserved nucleotide located close to a canonical splice site and therefore could affect mRNA splicing, leading to a significantly altered protein sequence. Several computational tools predict a significant impact on normal splicing: Four predict the variant weakens the canonical 5' donor site. However, these predictions have yet to be confirmed by functional studies. The variant allele was found at a frequency of 4.4e-05 in 183046 control chromosomes, including three hemizygotes (gnomAD). The available data on variant occurrences in the general population are insufficient to allow any strong conclusion about variant significance. c.522+5G>A has been reported in the literature in an individual affected with Juvenile Retinoschisis (Hiriyanna_1999). These data do not allow any conclusion about variant significance. To our knowledge, no experimental evidence demonstrating an impact on protein function has been reported. The following publication has been ascertained in the context of this evaluation (PMID: 10533068). Two clinical diagnostic laboratories have submitted clinical-significance assessments for this variant to ClinVar after 2014 and classified the variant as VUS and pathogenic. Based on the evidence outlined above, the variant was classified as uncertain significance.

Institute of Human Genetics, Univ. Regensburg, Univ. Regensburg
Classification: Uncertain significance for Retinal dystrophy. Last evaluated: 2015-01-01. Review status: criteria provided, single submitter. Criteria: ACMG Guidelines, 2015. Collection method: clinical testing. Allele origin: germline. Affected: yes.

Retina International
No classification provided. Review status: no classification provided. Collection method: not provided. Allele origin: unknown. Not counted in ClinVar's aggregate classification.

Literature cited by the submitters: PubMed 10533068 (cited by 3 submitters); PubMed 17576681 (cited by Labcorp Genetics (formerly Invitae), Labcorp); PubMed 9536098 (cited by Labcorp Genetics (formerly Invitae), Labcorp); PubMed 3442652 (cited by Institute of Human Genetics, Univ. Regensburg, Univ. Regensburg).

NM_000330.4(RS1):c.522+5G>A

Genes: CDKL5 (cyclin dependent kinase like 5; plus strand), RS1 (retinoschisin 1; minus strand). Cytogenetic location: Xp22.13.
Variant type: single nucleotide variant.
Coding change: c.522+5G>A on transcript NM_000330.4 (MANE Select); 5 bases into the intron after coding-DNA position 522, G replaced by A.
Molecular consequence: intron variant.
Genome position (GRCh38, 1-based): chrX:18,644,425, C>T on the plus strand (G>A on the coding strand, the complement: RS1 is on the minus strand). VCF-style: chrX-18644425-C-T. GRCh37 (hg19) VCF-style: chrX-18662545-C-T.
Other names: c.2714-1582C>T (NM_003159.3, NM_001037343.2).
Identifiers: ClinVar variation 98981 (VCV000098981.13), dbSNP rs200074383, ClinGen allele CA226770.
Genomic context (GRCh38, chrX:18,644,425, plus strand): 5'-CGGGGACAGGAGGGGAAGTCCCAGAGGGTGCGAGCTGAAGTTGGTTTGGGATAAGCCCAA[C>T]TTACCCGGTTGTTTCCAGTCTGGTCCTTGTAGTAAATCCAGTTCAGGCGCTCATCGGTCC-3'